The following is an entry in ClinVar:

NM_175914.5(HNF4A):c.*168G>T

Gene: HNF4A (hepatocyte nuclear factor 4 alpha; plus strand). Cytogenetic location: 20q13.12.
Variant type: single nucleotide variant.
Coding change: c.*168G>T on transcript NM_175914.5 (MANE Select); 168 bases downstream of the stop codon, G replaced by T.
Molecular consequence: 3 prime UTR variant.
Genome position (GRCh38, 1-based): chr20:44,429,833, G>T. VCF-style: chr20-44429833-G-T. GRCh37 (hg19) VCF-style: chr20-43058473-G-T.
Other names: c.*168G>T (NM_000457.6, NM_001030003.3, NM_001258355.2 and 3 more transcripts).
Identifiers: ClinVar variation 896688 (VCV000896688.5), dbSNP rs1045382698, ClinGen allele CA315421051.
Genomic context (GRCh38, chr20:44,429,833, plus strand): 5'-CAGAGCAGGAATGGGAAGGATGAAGGGCCCGAGAACATGGCCTAAGGGCCACATCCCACT[G>T]CCACCCTTGACGCCCTGCTCTGGATAACAAGACTTTGACTTGGGGAGACCTCTACTGCCT-3'

ClinVar aggregate classification (germline): Conflicting classifications of pathogenicity. Review status: criteria provided, conflicting classifications (1 of 4 stars). 3 submissions from 2 submitters: Uncertain significance (2); Likely benign (1). Last evaluated 2018-01-13.

Conditions:
Maturity-onset diabetes of the young type 1. Also called: MODY type 1; Diabetes mellitus MODY type 1; MODY HNF4A related; MILD JUVENILE DIABETES MELLITUS; HNF4A-Related Maturity-Onset Diabetes of the Young Type 1; MODY, type I. Identifiers: Orphanet 552, MedGen C1852093, MONDO:0007452, OMIM 125850. Disease mechanism: loss of function.
Maturity-onset diabetes of the young (MODY). Also called: Maturity onset diabetes mellitus in young. Identifiers: Orphanet 552, MedGen C0342276, MONDO:0018911, HP:0004904.
Familial hyperinsulinism. Also called: Congenital hyperinsulinism. Identifiers: Orphanet 276525, MedGen C3888018, MONDO:0017182. Disease mechanism: loss of function.

Allele frequency attached by ClinVar (database versions not stated): TOPMed 0.00002; gnomAD 0.00003; gnomAD exomes 0.00005.
gnomAD v4.1: 32 of 681,852 alleles (0.0047%); highest among the groups gnomAD compares: East Asian, 0.083%; no homozygotes.

Submissions (3):

Illumina Laboratory Services, Illumina
Classification: Uncertain significance for Maturity-onset diabetes of the young type 1. Last evaluated: 2018-01-13. Review status: criteria provided, single submitter. Criteria: ICSL Variant Classification Criteria 13 December 2019. Collection method: clinical testing. Allele origin: germline.

Illumina Laboratory Services, Illumina
Classification: Uncertain significance for Familial hyperinsulinism. Last evaluated: 2018-01-13. Review status: criteria provided, single submitter. Criteria: ICSL Variant Classification Criteria 13 December 2019. Collection method: clinical testing. Allele origin: germline.

Clinical Genomics, Uppaluri K&H Personalized Medicine Clinic
Classification: Likely benign for Maturity-onset diabetes of the young. Review status: criteria provided, single submitter. Criteria: K & H Uppaluri Personalized Medicine Clinic Variant Classification & Assertion Criteria_Updated V.1. Collection method: research. Allele origin: unknown. Inheritance: Autosomal dominant inheritance.
Comment: Potent mutations in HNF4A are associated with poor insulin secretion in response to hyperglycemia. Associated with MODY1. Patients initially respond well to sulfonylureas but eventually become insulin dependent. However, more evidence is required to ascertain the role of this particular variant rs1045382698 in MODY, yet.

Literature cited by the submitters: DOI 10.1159/000334532 (cited by Clinical Genomics, Uppaluri K&H Personalized Medicine Clinic); PubMed 18268044 (cited by Clinical Genomics, Uppaluri K&H Personalized Medicine Clinic); PubMed 17563455 (cited by Clinical Genomics, Uppaluri K&H Personalized Medicine Clinic); PubMed 32583173 (cited by Clinical Genomics, Uppaluri K&H Personalized Medicine Clinic); PubMed 35052457 (cited by Clinical Genomics, Uppaluri K&H Personalized Medicine Clinic); PubMed 35118593 (cited by Clinical Genomics, Uppaluri K&H Personalized Medicine Clinic).